The following is an entry in ClinVar:

NM_018368.4(LMBRD1):c.1613A>G (p.Tyr538Cys)

Gene: LMBRD1 (LMBR1 domain containing 1; minus strand). Cytogenetic location: 6q13.
Variant type: single nucleotide variant.
Coding change: c.1613A>G on transcript NM_018368.4 (MANE Select); coding-DNA position 1613, A replaced by G.
Protein change: p.Tyr538Cys; replaces tyrosine 538 with cysteine.
Molecular consequence: missense variant.
Genome position (GRCh38, 1-based): chr6:69,676,168, T>C on the plus strand (A>G on the coding strand, the complement: LMBRD1 is on the minus strand). VCF-style: chr6-69676168-T-C. GRCh37 (hg19) VCF-style: chr6-70386060-T-C.
Other names: c.1394A>G, p.Tyr465Cys (NM_001363722.2, NM_001367271.1, NM_001367272.1); short protein forms Y538C, Y465C.
Identifiers: ClinVar variation 1487617 (VCV001487617.7), dbSNP rs982934588, ClinGen allele CA140850698.

ClinVar aggregate classification (germline): Uncertain significance (1 of 4 stars; one submission).

Conditions:
Methylmalonic aciduria and homocystinuria type cblF. Also called: METHYLMALONIC ACIDEMIA AND HOMOCYSTINURIA, cblF TYPE; METHYLMALONIC ACIDURIA DUE TO VITAMIN B12-RELEASE DEFECT; VITAMIN B12 LYSOSOMAL RELEASE DEFECT; VITAMIN B12 STORAGE DISEASE; COBALAMIN F DISEASE; COBALAMIN, DEFECT IN LYSOSOMAL RELEASE OF. Identifiers: Orphanet 79284, MedGen C1848578, MONDO:0010183, OMIM 277380.

Allele frequency attached by ClinVar (database versions not stated): gnomAD exomes 0.00001.
gnomAD v4.1: 4 of 1,612,322 alleles (0.00025%); highest among the groups gnomAD compares: Non-Finnish European, 0.00025%; no homozygotes.

Submission:

Labcorp Genetics (formerly Invitae), Labcorp
Classification: Uncertain significance for Methylmalonic aciduria and homocystinuria type cblF. Last evaluated: 2022-08-10. Review status: criteria provided, single submitter. Criteria: Invitae Variant Classification Sherloc (09022015). Collection method: clinical testing. Allele origin: germline.
Comment: In summary, the available evidence is currently insufficient to determine the role of this variant in disease. Therefore, it has been classified as a Variant of Uncertain Significance. Algorithms developed to predict the effect of missense changes on protein structure and function are either unavailable or do not agree on the potential impact of this missense change (SIFT: "Deleterious"; PolyPhen-2: "Probably Damaging"; Align-GVGD: "Class C0"). ClinVar contains an entry for this variant (Variation ID: 1487617). This variant has not been reported in the literature in individuals affected with LMBRD1-related conditions. This variant is present in population databases (no rsID available, gnomAD 0.004%). This sequence change replaces tyrosine, which is neutral and polar, with cysteine, which is neutral and slightly polar, at codon 538 of the LMBRD1 protein (p.Tyr538Cys).